The following is an entry in ClinVar:

ClinVar aggregate classification (germline): Likely benign (1 of 4 stars; one submission).

gnomAD v4.1: 28 of 1,507,150 alleles (0.0019%); highest among the groups gnomAD compares: Middle Eastern, 0.017%; no homozygotes.

Submission:

Mayo Clinic Laboratories, Mayo Clinic
Classification: Likely benign. Last evaluated: 2022-06-08. Review status: criteria provided, single submitter. Criteria: ACMG Guidelines, 2015. Collection method: clinical testing. Allele origin: germline. Observed: 2 variant alleles.
Comment: BP4, BP7

NM_004817.4(TJP2):c.1056+24G>A

Gene: TJP2 (tight junction protein 2; plus strand). Cytogenetic location: 9q21.11.
Variant type: single nucleotide variant.
Coding change: c.1056+24G>A on transcript NM_004817.4 (MANE Select); 24 bases into the intron after coding-DNA position 1056, G replaced by A.
Molecular consequence: intron variant.
Genome position (GRCh38, 1-based): chr9:69,225,431, G>A. VCF-style: chr9-69225431-G-A. GRCh37 (hg19) VCF-style: chr9-71840347-G-A.
Other names: p.?; c.987+24G>A (NM_001170414.2, NM_001369870.1, NM_001369871.1); c.1056+24G>A (NM_201629.3, NM_001369872.1, NM_001369873.1); c.1068+24G>A (NM_001170415.1, NM_001369875.1, NM_001369874.1); c.1149+24G>A (NM_001170416.2).
Identifiers: ClinVar variation 4683397 (VCV004683397.1).
Genomic context (GRCh38, chr9:69,225,431, plus strand): 5'-AGATGGCAACCTTCACGAAGGAGACATAATTCTCAAGGTGGGTAGATGGGGGCAGAGAAC[G>A]GTAGTGTGCATACTGCCGTTCATCGCCTGCATGTCCACATTCAGCACCCACACAGTGAGA-3'